The following is an entry in ClinVar:

ClinVar aggregate classification (germline): Likely benign. Review status: criteria provided, multiple submitters, no conflicts (2 of 4 stars). 4 submissions from 4 submitters: Likely benign (4). Last evaluated 2026-01-11.

Conditions:
Encephalopathy, acute, infection-induced (herpes-specific), susceptibility to, 6. Also called: Herpes simplex encephalitis, susceptibility to, 4. Identifiers: Orphanet 1930, MedGen C3553869, MONDO:0013921, OMIM 614850.

Submissions (4):

Labcorp Genetics (formerly Invitae), Labcorp
Classification: Likely benign for Encephalopathy, acute, infection-induced (herpes-specific), susceptibility to, 6. Last evaluated: 2026-01-11. Review status: criteria provided, single submitter. Criteria: Invitae Variant Classification Sherloc (09022015). Collection method: clinical testing. Allele origin: germline.

Blueprint Genetics
Classification: Likely benign. Last evaluated: 2024-10-22. Review status: criteria provided, single submitter. Criteria: ACMG Guidelines, 2015. Collection method: clinical testing. Allele origin: germline.

CeGaT Center for Human Genetics Tuebingen
Classification: Likely benign. Last evaluated: 2023-12-01. Review status: criteria provided, single submitter. Criteria: CeGaT Center For Human Genetics Tuebingen Variant Classification Criteria Version 2. Collection method: clinical testing. Allele origin: germline. Affected: yes. Observed: 1 variant allele.
Comment: TICAM1: PM4:Supporting, BS1

Fulgent Genetics
Classification: Likely benign for Encephalopathy, acute, infection-induced (herpes-specific), susceptibility to, 6. Last evaluated: 2022-02-11. Review status: criteria provided, single submitter. Criteria: ACMG Guidelines, 2015. Collection method: clinical testing. Allele origin: unknown.

NM_182919.4(TICAM1):c.1078CCT[7] (p.Pro367del)

Gene: TICAM1 (TIR domain containing adaptor molecule 1; minus strand). Cytogenetic location: 19p13.3.
Variant type: Microsatellite.
Coding change: c.1078CCT[7] on transcript NM_182919.4 (MANE Select); seven copies in a row of the 3-base unit CCT starting at c.1078; the reference has eight copies in a row; one copy, 3 bases deleted; also written c.1099_1101del.
Protein change: p.Pro367del; deletes proline 367.
Molecular consequence: inframe deletion.
Genome position (GRCh38, 1-based): chr19:4,817,277-4,817,279, AGG deleted on the plus strand (CCT on the coding strand, the reverse complement: TICAM1 is on the minus strand); deleting any 3 consecutive bases within chr19:4,817,277-4,817,300 gives the same sequence; the position shown is the placement nearest the transcript's 3' end. VCF-style (leftmost placement, unchanged base first): chr19-4817276-AAGG-A. GRCh37 (hg19) VCF-style: chr19-4817288-AAGG-A.
Other names: c.1036CCT[7], p.Pro353del (NM_001385678.1); c.943CCT[7], p.Pro322del (NM_001385679.1); c.436CCT[7], p.Pro153del (NM_001385680.1); c.1099_1101del (NM_182919.4, NM_182919.3); short protein forms P367del, P153del, P322del, P353del.
Identifiers: ClinVar variation 780505 (VCV000780505.35), dbSNP rs11466722, ClinGen allele CA9105201.